The following is an entry in ClinVar:

NM_001127644.2(GABRA1):c.255+13T>C

Gene: GABRA1 (gamma-aminobutyric acid type A receptor subunit alpha1; plus strand). Cytogenetic location: 5q34.
Variant type: single nucleotide variant.
Coding change: c.255+13T>C on transcript NM_001127644.2 (MANE Select); 13 bases into the intron after coding-DNA position 255, T replaced by C.
Molecular consequence: intron variant.
Genome position (GRCh38, 1-based): chr5:161,865,801, T>C. VCF-style: chr5-161865801-T-C. GRCh37 (hg19) VCF-style: chr5-161292807-T-C.
Other names: c.255+13T>C (NM_000806.5, NM_001127643.2, NM_001127645.2 and 1 more transcripts).
Identifiers: ClinVar variation 516093 (VCV000516093.1), dbSNP rs1554084940, ClinGen allele CA658796672.

ClinVar aggregate classification (germline): Likely benign (1 of 4 stars; one submission).

Submission:

GeneDx
Classification: Likely benign. Last evaluated: 2018-01-22. Review status: criteria provided, single submitter. Criteria: GeneDx Variant Classification (06012015). Collection method: clinical testing. Allele origin: germline. Affected: yes.
Comment: This variant is considered likely benign or benign based on one or more of the following criteria: it is a conservative change, it occurs at a poorly conserved position in the protein, it is predicted to be benign by multiple in silico algorithms, and/or has population frequency not consistent with disease.